The following is an entry in ClinVar:

NM_172107.4(KCNQ2):c.2339A>C (p.Asn780Thr)

Gene: KCNQ2 (potassium voltage-gated channel subfamily Q member 2; minus strand). Cytogenetic location: 20q13.33.
Variant type: single nucleotide variant.
Coding change: c.2339A>C on transcript NM_172107.4 (MANE Select); coding-DNA position 2339, A replaced by C.
Protein change: p.Asn780Thr; replaces asparagine 780 with threonine.
Molecular consequence: missense variant.
Genome position (GRCh38, 1-based): chr20:63,406,924, T>G on the plus strand (A>C on the coding strand, the complement: KCNQ2 is on the minus strand). VCF-style: chr20-63406924-T-G. GRCh37 (hg19) VCF-style: chr20-62038277-T-G.
Other names: p.N780T:AAC>ACC; c.2255A>C, p.Asn752Thr (NM_004518.6); c.2285A>C, p.Asn762Thr (NM_172106.3); c.2246A>C, p.Asn749Thr (NM_172108.5); c.2393A>C, p.Asn798Thr (NM_001382235.1); c.2282A>C, p.Asn761Thr (NM_001439003.1); c.2252A>C, p.Asn751Thr (NM_001439004.1); short protein forms N780T, N762T, N752T, N749T, N798T, N751T, N761T.
Identifiers: ClinVar variation 21779 (VCV000021779.39), dbSNP rs1801475, ClinGen allele CA285799.
Genomic context (GRCh38, chr20:63,406,924, plus strand): 5'-CGCTCCAGCTCCTCGTGGTCCACGGACGGGATGGAGATGGACGTGTCGCTGTCCCGCAGG[T>G]TCCCCTCGGGGGGCCTGCAGCCCGGGGTGTCCTCCTGCCGCAGGAACTCCATGCTGGCGC-3'
Protein context (NP_742105.1, residues 770-790): DTPGCRPPEG[Asn780Thr]LRDSDTSISI

ClinVar aggregate classification (germline): Benign. Review status: criteria provided, multiple submitters, no conflicts (2 of 4 stars). 17 submissions from 16 submitters: Benign (13). 4 of the submissions do not count toward it. Last evaluated 2026-02-04.

Conditions:
Early-infantile DEE. Also called: Ohtahara syndrome; Early infantile epileptic encephalopathy; Early infantile epileptic encephalopathy with suppression bursts. Identifiers: Orphanet 1934, MedGen C0393706, MONDO:0800491.
Inborn genetic diseases. Identifiers: MedGen C0950123, MeSH D030342.
Developmental and epileptic encephalopathy, 7 (DEE7). Also called: KCNQ2-Related Neonatal-Onset Developmental and Epileptic Encephalopathy (NEO-DEE); KCNQ2-Related Neonatal Epileptic Encephalopathy; Early infantile epileptic encephalopathy 7. Identifiers: Orphanet 439218, MedGen C3150986, MONDO:0013387, OMIM 613720.
Seizures, benign familial neonatal, 1. Also called: Seizures, benign neonatal, 1; KCNQ2-Related Self-Limited Familial Neonatal Epilepsy (SLFNE); KCNQ2-Related Benign Familial Neonatal Epilepsy; Benign Neonatal Epilepsy 1. Identifiers: Orphanet 1949, MedGen C3149074, MONDO:0007365, OMIM 121200.

Allele frequency attached by ClinVar (database versions not stated): 1000 Genomes Project 30x 0.58713; gnomAD 0.59301 and 0.59511; gnomAD exomes 0.60919 and 0.64278; TOPMed 0.57805; ExAC 0.63724; 1000 Genomes Project 0.59046; ESP Exome Variant Server 0.59870.
gnomAD v4.1: 1,022,494 of 1,604,550 alleles (64%); highest among the groups gnomAD compares: Non-Finnish European, 66%; 328,384 homozygotes.

Submissions (23):

Labcorp Genetics (formerly Invitae), Labcorp
Classification: Benign for Early-infantile DEE. Last evaluated: 2026-02-04. Review status: criteria provided, single submitter. Criteria: Invitae Variant Classification Sherloc (09022015). Collection method: clinical testing. Allele origin: germline.

Blueprint Genetics
Classification: Benign. Last evaluated: 2024-11-28. Review status: criteria provided, single submitter. Criteria: ACMG Guidelines, 2015. Collection method: clinical testing. Allele origin: germline.

Unidad de Genómica Garrahan, Hospital de Pediatría Garrahan
Classification: Benign. Last evaluated: 2024-07-15. Review status: criteria provided, single submitter. Criteria: ACMG Guidelines, 2015. Collection method: clinical testing. Allele origin: germline. Affected: no. Observed: 80 variant alleles.
Comment: This variant is classified as Benign based on local population frequency. This variant was detected in 86% of patients studied in a panel designed for Epileptic and Developmental Encephalopathy and Progressive Myoclonus Epilepsy. Number of patients: 80. Only high quality variants are reported.

Genome-Nilou Lab
Classification: Benign for Developmental and epileptic encephalopathy, 7. Last evaluated: 2021-08-19. Review status: criteria provided, single submitter. Criteria: ACMG Guidelines, 2015. Collection method: clinical testing. Allele origin: germline. Affected: no.

Genome-Nilou Lab
Classification: Benign for Seizures, benign familial neonatal, 1. Last evaluated: 2021-08-19. Review status: criteria provided, single submitter. Criteria: ACMG Guidelines, 2015. Collection method: clinical testing. Allele origin: germline. Affected: no.

GeneDx
Classification: Benign. Last evaluated: 2020-08-28. Review status: criteria provided, single submitter. Criteria: GeneDx Variant Classification Process June 2021. Collection method: clinical testing. Allele origin: germline. Affected: yes.
Comment: This variant is associated with the following publications: (PMID: 28038823)

Mayo Clinic Laboratories, Mayo Clinic
Classification: Benign. Last evaluated: 2018-04-02. Review status: criteria provided, single submitter. Criteria: ACMG Guidelines, 2015. Collection method: clinical testing. Allele origin: germline. Observed: 480 variant alleles.

Athena Diagnostics
Classification: Benign for Seizures, benign familial neonatal, 1. Last evaluated: 2017-04-26. Review status: criteria provided, single submitter. Criteria: Athena Diagnostics Criteria. Collection method: clinical testing. Allele origin: germline.

Eurofins Ntd Llc (ga)
Classification: Benign. Last evaluated: 2016-05-18. Review status: criteria provided, single submitter. Criteria: EGL Classification Definitions 2015. Collection method: clinical testing. Allele origin: germline. Observed: 32 variant alleles, 19 heterozygotes, 13 homozygotes.

Ambry Genetics
Classification: Benign for Inborn genetic diseases. Last evaluated: 2015-12-31. Review status: criteria provided, single submitter. Criteria: Ambry Variant Classification Scheme 2023. Collection method: clinical testing. Allele origin: germline.

Genetic Services Laboratory, University of Chicago
Classification: Benign for AllHighlyPenetrant. Last evaluated: 2013-04-25. Review status: criteria provided, single submitter. Criteria: ACMG Guidelines, 2007. Collection method: clinical testing. Allele origin: germline. Inheritance: Autosomal dominant inheritance.

Breakthrough Genomics
Classification: Benign. Review status: criteria provided, single submitter. Criteria: ACMG Guidelines, 2015. Collection method: not provided. Allele origin: germline. Inheritance: Autosomal dominant inheritance. Affected: yes.

PreventionGenetics, part of Exact Sciences
Classification: Benign. Review status: criteria provided, single submitter. Criteria: ACMG Guidelines, 2015. Collection method: clinical testing. Allele origin: germline.

Channelopathy-Associated Epilepsy Research Center
No classification provided (evidence only). Condition: Complex neurodevelopmental disorder. Review status: no classification provided. Collection method: literature only. Allele origin: not applicable. Functional consequence: Moderate decrease in peak current, Mild slowing of activation, Mild hyperpolarizing shift of voltage dependence of activation. Not counted in ClinVar's aggregate classification.
ClinVar note: "not provided" was previously submitted as the classification for the variant. However, the classification appeared to be based only on an observation of functional data so it was converted to no classification on 2025-07-30.

Channelopathy-Associated Epilepsy Research Center
No classification provided (evidence only). Review status: no classification provided. Collection method: in vitro. Allele origin: not applicable. Functional consequence: Normal peak current. Not counted in ClinVar's aggregate classification.

Channelopathy-Associated Epilepsy Research Center
No classification provided (evidence only). Review status: no classification provided. Collection method: in vitro. Allele origin: not applicable. Functional consequence: Normal peak current. Not counted in ClinVar's aggregate classification.

Channelopathy-Associated Epilepsy Research Center
No classification provided (evidence only). Review status: no classification provided. Collection method: in vitro. Allele origin: not applicable. Functional consequence: Normal voltage dependence of activation. Not counted in ClinVar's aggregate classification.

Channelopathy-Associated Epilepsy Research Center
No classification provided (evidence only). Review status: no classification provided. Collection method: in vitro. Allele origin: not applicable. Functional consequence: Normal slope of activation. Not counted in ClinVar's aggregate classification.

Channelopathy-Associated Epilepsy Research Center
No classification provided (evidence only). Review status: no classification provided. Collection method: in vitro. Allele origin: not applicable. Functional consequence: Normal rate of activation. Not counted in ClinVar's aggregate classification.

Diagnostic Laboratory, Department of Genetics, University Medical Center Groningen
Classification: Benign. Review status: no assertion criteria provided. Collection method: clinical testing. Allele origin: germline. Affected: yes. Study: VKGL Data-share Consensus. Not counted in ClinVar's aggregate classification.

GeneReviews
No classification provided. Condition: Seizures, benign familial neonatal, 1. Review status: no classification provided. Collection method: literature only. Allele origin: unknown. Not counted in ClinVar's aggregate classification.

Genome Diagnostics Laboratory, University Medical Center Utrecht
Classification: Benign. Review status: no assertion criteria provided. Collection method: clinical testing. Allele origin: germline. Affected: yes. Study: VKGL Data-share Consensus. Not counted in ClinVar's aggregate classification.

Joint Genome Diagnostic Labs from Nijmegen and Maastricht, Radboudumc and MUMC+
Classification: Benign. Review status: no assertion criteria provided. Collection method: clinical testing. Allele origin: germline. Affected: yes. Study: VKGL Data-share Consensus. Not counted in ClinVar's aggregate classification.

Literature cited by the submitters: PubMed 35104249 (cited by Channelopathy-Associated Epilepsy Research Center); PubMed 20437616 (cited by GeneReviews); NCBI Bookshelf NBK32534 (cited by GeneReviews).